The following is an entry in ClinVar:

NM_004218.4(RAB11B):c.12G>A (p.Arg4=)

Genes: RAB11B (RAB11B, member RAS oncogene family; plus strand), RAB11B-AS1 (RAB11B antisense RNA 1; minus strand). Cytogenetic location: 19p13.2.
Variant type: single nucleotide variant.
Coding change: c.12G>A on transcript NM_004218.4 (MANE Select); coding-DNA position 12, G replaced by A.
Protein change: p.Arg4=; no amino-acid change (arginine 4 retained).
Molecular consequence: synonymous variant. On other transcripts: non-coding transcript variant (1).
Genome position (GRCh38, 1-based): chr19:8,390,428, G>A. VCF-style: chr19-8390428-G-A. GRCh37 (hg19) VCF-style: chr19-8455312-G-A.
Identifiers: ClinVar variation 1164472 (VCV001164472.32), dbSNP rs2913976, ClinGen allele CA9156255.

ClinVar aggregate classification (germline): Benign/Likely benign. Review status: criteria provided, multiple submitters, no conflicts (2 of 4 stars). 3 submissions from 3 submitters: Benign (2); Likely benign (1). Last evaluated 2026-09-01.

Allele frequency attached by ClinVar (database versions not stated): 1000 Genomes Project 30x 0.00141; 1000 Genomes Project 0.00160; TOPMed 0.00518; gnomAD 0.00547 and 0.00577; gnomAD exomes 0.00553 and 0.00776; ExAC 0.00564; ESP Exome Variant Server 0.00631.
gnomAD v4.1: 11,478 of 1,526,692 alleles (0.75%); highest among the groups gnomAD compares: Non-Finnish European, 0.89%; 65 homozygotes.

Submissions (3):

CeGaT Center for Human Genetics Tuebingen
Classification: Likely benign. Last evaluated: 2026-09-01. Review status: criteria provided, single submitter. Criteria: CeGaT Center For Human Genetics Tuebingen Variant Classification Criteria Version 2. Collection method: clinical testing. Allele origin: germline. Affected: yes. Observed: 13 variant alleles.
Comment: RAB11B: BP4, BS2

Labcorp Genetics (formerly Invitae), Labcorp
Classification: Benign. Last evaluated: 2026-02-03. Review status: criteria provided, single submitter. Criteria: Invitae Variant Classification Sherloc (09022015). Collection method: clinical testing. Allele origin: germline.

Breakthrough Genomics
Classification: Benign. Review status: criteria provided, single submitter. Criteria: ACMG Guidelines, 2015. Collection method: not provided. Allele origin: germline. Inheritance: Autosomal dominant inheritance. Affected: yes.